The following is an entry in ClinVar:

NM_002878.4(RAD51D):c.263+1855G>A

Genes: RAD51D (RAD51 paralog D; minus strand), RAD51L3-RFFL (RAD51L3-RFFL readthrough; minus strand). Cytogenetic location: 17q12.
Variant type: single nucleotide variant.
Coding change: c.263+1855G>A on transcript NM_002878.4 (MANE Select); 1855 bases into the intron after coding-DNA position 263, G replaced by A.
Molecular consequence: intron variant.
Genome position (GRCh38, 1-based): chr17:35,116,646, C>T on the plus strand (G>A on the coding strand, the complement: RAD51D is on the minus strand). VCF-style: chr17-35116646-C-T. GRCh37 (hg19) VCF-style: chr17-33443665-C-T.
Other names: c.144+2465G>A (NM_133629.3); c.323+213G>A (NM_001142571.2).
Identifiers: ClinVar variation 683445 (VCV000683445.1), dbSNP rs139512155, ClinGen allele CA290004908.

ClinVar aggregate classification (germline): Likely benign (1 of 4 stars; one submission).

Allele frequency attached by ClinVar (database versions not stated): 1000 Genomes Project 30x 0.00265; 1000 Genomes Project 0.00300; gnomAD 0.00361 and 0.00390; TOPMed 0.00425.
gnomAD v4.1: 543 of 152,226 alleles (0.36%); highest among the groups gnomAD compares: African/African-American, 1.2%; 6 homozygotes.

Submission:

GeneDx
Classification: Likely benign. Last evaluated: 2018-06-12. Review status: criteria provided, single submitter. Criteria: GeneDx Variant Classification (06012015). Collection method: clinical testing. Allele origin: germline. Affected: yes.
Comment: This variant is considered likely benign or benign based on one or more of the following criteria: it is a conservative change, it occurs at a poorly conserved position in the protein, it is predicted to be benign by multiple in silico algorithms, and/or has population frequency not consistent with disease.